The following is an entry in ClinVar:

NM_001080477.4(TENM3):c.4925C>T (p.Thr1642Met)

Gene: TENM3 (teneurin transmembrane protein 3; plus strand). Cytogenetic location: 4q35.1.
Variant type: single nucleotide variant.
Coding change: c.4925C>T on transcript NM_001080477.4 (MANE Select); coding-DNA position 4925, C replaced by T.
Protein change: p.Thr1642Met; replaces threonine 1642 with methionine.
Molecular consequence: missense variant.
Genome position (GRCh38, 1-based): chr4:182,773,504, C>T. VCF-style: chr4-182773504-C-T. GRCh37 (hg19) VCF-style: chr4-183694657-C-T.
Other names: short protein forms T1642M.
Identifiers: ClinVar variation 1031795 (VCV001031795.1), dbSNP rs375567039, ClinGen allele CA111764074.

ClinVar aggregate classification (germline): Uncertain significance (1 of 4 stars; one submission).

Conditions:
Microphthalmia, isolated, with coloboma 9 (MCOPCB9). Identifiers: Orphanet 98938, MedGen C3554592, MONDO:0014059, OMIM 615145.

Allele frequency attached by ClinVar (database versions not stated): gnomAD exomes below 0.00001; TOPMed below 0.00001; ESP Exome Variant Server 0.00008.
gnomAD v4.1: 4 of 1,612,868 alleles (0.00025%); highest among the groups gnomAD compares: Non-Finnish European, 0.00034%; no homozygotes.

Submission:

Baylor Genetics
Classification: Uncertain significance for Microphthalmia, isolated, with coloboma 9. Last evaluated: 2018-08-09. Review status: criteria provided, single submitter. Criteria: ACMG Guidelines, 2015. Collection method: clinical testing. Allele origin: unknown. Affected: yes.
Comment: This variant was determined to be of uncertain significance according to ACMG Guidelines, 2015 [PMID:25741868].